The following is an entry in ClinVar:

ClinVar aggregate classification (germline): Uncertain significance. Review status: criteria provided, multiple submitters, no conflicts (2 of 4 stars). 2 submissions from 2 submitters: Uncertain significance (2). Last evaluated 2021-10-25.

Conditions:
Nephronophthisis. Also called: Juvenile Nephronophthisis. Identifiers: Orphanet 655, MedGen C0687120, MONDO:0019005, HP:0000090.
Nephronophthisis 4 (NPHP4). Also called: NEPHRONOPHTHISIS 4, JUVENILE. Identifiers: Orphanet 655, MedGen C1847013, MONDO:0011752, OMIM 606966.
Senior-Loken syndrome 4 (SLSN4). Identifiers: Orphanet 3156, MedGen C1846979, MONDO:0011756, OMIM 606996.

Allele frequency attached by ClinVar (database versions not stated): gnomAD exomes 0.00001; ExAC 0.00002.
gnomAD v4.1: 4 of 1,613,958 alleles (0.00025%); highest among the groups gnomAD compares: Admixed American, 0.0017%; no homozygotes.

Submissions (2):

Fulgent Genetics
Classification: Uncertain significance for Nephronophthisis 4; Senior-Loken syndrome 4. Last evaluated: 2021-10-25. Review status: criteria provided, single submitter. Criteria: ACMG Guidelines, 2015. Collection method: clinical testing. Allele origin: unknown.

Labcorp Genetics (formerly Invitae), Labcorp
Classification: Uncertain significance for Nephronophthisis. Last evaluated: 2019-12-30. Review status: criteria provided, single submitter. Criteria: Invitae Variant Classification Sherloc (09022015). Collection method: clinical testing. Allele origin: germline.
Comment: In summary, the available evidence is currently insufficient to determine the role of this variant in disease. Therefore, it has been classified as a Variant of Uncertain Significance. Algorithms developed to predict the effect of missense changes on protein structure and function are either unavailable or do not agree on the potential impact of this missense change (SIFT: "Tolerated"; PolyPhen-2: "Probably Damaging"; Align-GVGD: "Class C0"). This variant has not been reported in the literature in individuals with NPHP4-related conditions. This variant is present in population databases (rs766636945, ExAC 0.003%). This sequence change replaces histidine with glutamine at codon 17 of the NPHP4 protein (p.His17Gln). The histidine residue is moderately conserved and there is a small physicochemical difference between histidine and glutamine.

NM_015102.5(NPHP4):c.51C>A (p.His17Gln)

Gene: NPHP4 (nephrocystin 4; minus strand). Cytogenetic location: 1p36.31.
Variant type: single nucleotide variant.
Coding change: c.51C>A on transcript NM_015102.5 (MANE Select); coding-DNA position 51, C replaced by A.
Protein change: p.His17Gln; replaces histidine 17 with glutamine.
Molecular consequence: missense variant. On other transcripts: 5 prime UTR variant (1), non-coding transcript variant (1), intron variant (1).
Genome position (GRCh38, 1-based): chr1:5,986,239, G>T on the plus strand (C>A on the coding strand, the complement: NPHP4 is on the minus strand). VCF-style: chr1-5986239-G-T. GRCh37 (hg19) VCF-style: chr1-6046299-G-T.
Other names: c.-1179C>A (NM_001291593.2); c.-1088+6005C>A (NM_001291594.2); short protein forms H17Q.
Identifiers: ClinVar variation 854795 (VCV000854795.9), dbSNP rs766636945, ClinGen allele CA554956.